The following is an entry in ClinVar:

ClinVar aggregate classification (germline): Pathogenic. Review status: criteria provided, multiple submitters, no conflicts (2 of 4 stars). 3 submissions from 3 submitters: Pathogenic (3). Last evaluated 2023-11-04.

Conditions:
Rare genetic deafness. Identifiers: Orphanet 96210, MedGen C5680250.
Usher syndrome type 2A. Also called: RETINAL DISEASE IN USHER SYNDROME TYPE IIA, MODIFIER OF; USHER SYNDROME, TYPE IIA. Identifiers: Orphanet 231178, Orphanet 886, MedGen C1848634, MONDO:0010169, OMIM 276901.

Submissions (3):

Genome-Nilou Lab
Classification: Pathogenic for Usher syndrome type 2A. Last evaluated: 2023-11-04. Review status: criteria provided, single submitter. Criteria: ACMG Guidelines, 2015. Collection method: clinical testing. Allele origin: germline. Affected: no.

Labcorp Genetics (formerly Invitae), Labcorp
Classification: Pathogenic. Last evaluated: 2023-10-27. Review status: criteria provided, single submitter. Criteria: Invitae Variant Classification Sherloc (09022015). Collection method: clinical testing. Allele origin: germline.
Comment: This sequence change creates a premature translational stop signal (p.Tyr4238*) in the USH2A gene. It is expected to result in an absent or disrupted protein product. Loss-of-function variants in USH2A are known to be pathogenic (PMID: 10729113, 10909849, 20507924, 25649381). This variant is not present in population databases (gnomAD no frequency). This premature translational stop signal has been observed in individual(s) with Usher syndrome (PMID: 23352160). ClinVar contains an entry for this variant (Variation ID: 48405). For these reasons, this variant has been classified as Pathogenic.

Laboratory for Molecular Medicine, Mass General Brigham Personalized Medicine
Classification: Pathogenic for Rare genetic deafness. Last evaluated: 2011-11-30. Review status: criteria provided, single submitter. Criteria: LMM Criteria. Collection method: clinical testing. Allele origin: germline. Inheritance: Autosomal recessive inheritance. Observed: 1 variant allele.
Comment: The Tyr4238X variant in USH2A has not been reported in the literature nor previo usly identified by our laboratory. The Tyr4238X variant leads to a premature sto p codon at position 4238, which is predicted to lead to a truncated or absent pr otein. In summary, this variant meets our criteria to be classified as pathogeni c.

Literature cited by the submitters: PubMed 10729113 (cited by Labcorp Genetics (formerly Invitae), Labcorp); PubMed 10909849 (cited by Labcorp Genetics (formerly Invitae), Labcorp); PubMed 20507924 (cited by Labcorp Genetics (formerly Invitae), Labcorp); PubMed 25649381 (cited by Labcorp Genetics (formerly Invitae), Labcorp); PubMed 23352160 (cited by Labcorp Genetics (formerly Invitae), Labcorp).

NM_206933.4(USH2A):c.12714T>G (p.Tyr4238Ter)

Gene: USH2A (usherin; minus strand). Cytogenetic location: 1q41.
Variant type: single nucleotide variant.
Coding change: c.12714T>G on transcript NM_206933.4 (MANE Select); coding-DNA position 12714, T replaced by G.
Protein change: p.Tyr4238Ter; replaces tyrosine 4238 with a stop codon.
Molecular consequence: nonsense.
Genome position (GRCh38, 1-based): chr1:215,675,197, A>C on the plus strand (T>G on the coding strand, the complement: USH2A is on the minus strand). VCF-style: chr1-215675197-A-C. GRCh37 (hg19) VCF-style: chr1-215848539-A-C.
Other names: short protein forms Y4238*.
Identifiers: ClinVar variation 48405 (VCV000048405.11), dbSNP rs397517981, ClinGen allele CA262078.